The following is an entry in ClinVar:

NM_001852.4(COL9A2):c.974G>C (p.Gly325Ala)

Gene: COL9A2 (collagen type IX alpha 2 chain; minus strand). Cytogenetic location: 1p34.2.
Variant type: single nucleotide variant.
Coding change: c.974G>C on transcript NM_001852.4 (MANE Select); coding-DNA position 974, G replaced by C.
Protein change: p.Gly325Ala; replaces glycine 325 with alanine.
Molecular consequence: missense variant.
Genome position (GRCh38, 1-based): chr1:40,307,480, C>G on the plus strand (G>C on the coding strand, the complement: COL9A2 is on the minus strand). VCF-style: chr1-40307480-C-G. GRCh37 (hg19) VCF-style: chr1-40773152-C-G.
Other names: short protein forms G325A.
Identifiers: ClinVar variation 3675289 (VCV003675289.2).

ClinVar aggregate classification (germline): Uncertain significance (1 of 4 stars; one submission).

Submission:

Labcorp Genetics (formerly Invitae), Labcorp
Classification: Uncertain significance. Last evaluated: 2025-03-30. Review status: criteria provided, single submitter. Criteria: Invitae Variant Classification Sherloc (09022015). Collection method: clinical testing. Allele origin: germline.
Comment: This sequence change replaces glycine, which is neutral and non-polar, with alanine, which is neutral and non-polar, at codon 325 of the COL9A2 protein (p.Gly325Ala). This variant is not present in population databases (gnomAD no frequency). This variant has not been reported in the literature in individuals affected with COL9A2-related conditions. Invitae Evidence Modeling of protein sequence and biophysical properties (such as structural, functional, and spatial information, amino acid conservation, physicochemical variation, residue mobility, and thermodynamic stability) indicates that this missense variant is expected to disrupt COL9A2 protein function with a positive predictive value of 95%. In summary, the available evidence is currently insufficient to determine the role of this variant in disease. Therefore, it has been classified as a Variant of Uncertain Significance.